The following is an entry in ClinVar:

NM_000264.5(PTCH1):c.3672G>C (p.Glu1224Asp)

Gene: PTCH1 (patched 1; minus strand). Cytogenetic location: 9q22.32.
Variant type: single nucleotide variant.
Coding change: c.3672G>C on transcript NM_000264.5 (MANE Select); coding-DNA position 3672, G replaced by C.
Protein change: p.Glu1224Asp; replaces glutamic acid 1224 with aspartic acid.
Molecular consequence: missense variant. On other transcripts: non-coding transcript variant (1).
Genome position (GRCh38, 1-based): chr9:95,449,201, C>G on the plus strand (G>C on the coding strand, the complement: PTCH1 is on the minus strand). VCF-style: chr9-95449201-C-G. GRCh37 (hg19) VCF-style: chr9-98211483-C-G.
Other names: c.3474G>C, p.Glu1158Asp (NM_001083602.3); c.3669G>C, p.Glu1223Asp (NM_001083603.3); c.3219G>C, p.Glu1073Asp (NM_001083604.3, NM_001083605.3, NM_001083606.3 and 1 more transcripts); c.3516G>C, p.Glu1172Asp (NM_001354918.2); short protein forms E1158D, E1223D, E1224D, E1172D, E1073D.
Identifiers: ClinVar variation 2059473 (VCV002059473.4), dbSNP rs2136599908, ClinGen allele CA374111176.

ClinVar aggregate classification (germline): Uncertain significance (1 of 4 stars; one submission).

Conditions:
Gorlin syndrome. Also called: Nevoid Basal Cell Carcinoma Syndrome; Basal cell nevus syndrome. Identifiers: Orphanet 377, MedGen C0004779, MONDO:0007187.

Submission:

Labcorp Genetics (formerly Invitae), Labcorp
Classification: Uncertain significance for Gorlin syndrome. Last evaluated: 2022-01-06. Review status: criteria provided, single submitter. Criteria: Invitae Variant Classification Sherloc (09022015). Collection method: clinical testing. Allele origin: germline.
Comment: In summary, the available evidence is currently insufficient to determine the role of this variant in disease. Therefore, it has been classified as a Variant of Uncertain Significance. Advanced modeling of protein sequence and biophysical properties (such as structural, functional, and spatial information, amino acid conservation, physicochemical variation, residue mobility, and thermodynamic stability) performed at Invitae indicates that this missense variant is not expected to disrupt PTCH1 protein function. This variant has not been reported in the literature in individuals affected with PTCH1-related conditions. This variant is not present in population databases (gnomAD no frequency). This sequence change replaces glutamic acid, which is acidic and polar, with aspartic acid, which is acidic and polar, at codon 1224 of the PTCH1 protein (p.Glu1224Asp).